The following is an entry in ClinVar:

NM_001384910.1(GUCA1A):c.428delinsCACA (p.Ile143delinsThrHis)

Genes: GUCA1A (guanylate cyclase activator 1A; plus strand), GUCA1ANB-GUCA1A (GUCA1ANB-GUCA1A readthrough; plus strand). Cytogenetic location: 6p21.1.
Variant type: Indel.
Coding change: c.428delinsCACA on transcript NM_001384910.1 (MANE Select); coding-DNA position 428, T replaced by CACA.
Protein change: p.Ile143delinsThrHis.
Molecular consequence: inframe indel.
Genome position (GRCh38, 1-based): chr6:42,178,878, T replaced by CACA. VCF-style: chr6-42178878-T-CACA. GRCh37 (hg19) VCF-style: chr6-42146616-T-CACA.
Other names: c.428delinsCACA, p.Ile143delinsThrHis (NM_000409.5, NM_001319061.2, NM_001319062.2).
Identifiers: ClinVar variation 3010822 (VCV003010822.3), dbSNP rs1554186463, ClinGen allele CA2740091333.

ClinVar aggregate classification (germline): Likely pathogenic (1 of 4 stars; one submission).

Submission:

Labcorp Genetics (formerly Invitae), Labcorp
Classification: Likely pathogenic. Last evaluated: 2020-08-25. Review status: criteria provided, single submitter. Criteria: Invitae Variant Classification Sherloc (09022015). Collection method: clinical testing. Allele origin: germline.
Comment: This variant is not present in population databases (ExAC no frequency). This variant, c.428delinsCACA, is a complex sequence change that results in the deletion of 1 and insertion of 2 amino acid(s) in the GUCA1A protein (p.Ile143delinsThrHis). This variant has been observed in individual(s) with cone rod dystrophy and cone degeneration (PMID: 15505030, 29074494). It has also been observed to segregate with disease in related individuals. ClinVar contains an entry for this variant (Variation ID: 449489). In summary, the currently available evidence indicates that the variant is pathogenic, but additional data are needed to prove that conclusively. Therefore, this variant has been classified as Likely Pathogenic.

Literature cited by the submitters: PubMed 15505030; PubMed 29074494.